The following is an entry in ClinVar:

NM_001042492.3(NF1):c.6062G>C (p.Gly2021Ala)

Gene: NF1 (neurofibromin 1; plus strand). Cytogenetic location: 17q11.2.
Variant type: single nucleotide variant.
Coding change: c.6062G>C on transcript NM_001042492.3 (MANE Select); coding-DNA position 6062, G replaced by C.
Protein change: p.Gly2021Ala; replaces glycine 2021 with alanine.
Molecular consequence: missense variant.
Genome position (GRCh38, 1-based): chr17:31,336,388, G>C. VCF-style: chr17-31336388-G-C. GRCh37 (hg19) VCF-style: chr17-29663406-G-C.
Other names: c.5999G>C, p.Gly2000Ala (NM_000267.4); short protein forms G2000A, G2021A.
Identifiers: ClinVar variation 2698414 (VCV002698414.3), dbSNP rs1555534605, ClinGen allele CA399011166.

ClinVar aggregate classification (germline): Uncertain significance (1 of 4 stars; one submission).

Conditions:
Neurofibromatosis, type 1 (NF1). Also called: Peripheral type neurofibromatosis; VON RECKLINGHAUSEN DISEASE; Neurofibromatosis, type I; NEUROFIBROMATOSIS, TYPE I, SOMATIC. Identifiers: Orphanet 636, MedGen C0027831, MONDO:0018975, OMIM 162200. Disease mechanism: loss of function.

Submission:

Labcorp Genetics (formerly Invitae), Labcorp
Classification: Uncertain significance for Neurofibromatosis, type 1. Last evaluated: 2023-11-24. Review status: criteria provided, single submitter. Criteria: Invitae Variant Classification Sherloc (09022015). Collection method: clinical testing. Allele origin: germline.
Comment: This sequence change replaces glycine, which is neutral and non-polar, with alanine, which is neutral and non-polar, at codon 2000 of the NF1 protein (p.Gly2000Ala). This variant is not present in population databases (gnomAD no frequency). This variant has not been reported in the literature in individuals affected with NF1-related conditions. Advanced modeling of protein sequence and biophysical properties (such as structural, functional, and spatial information, amino acid conservation, physicochemical variation, residue mobility, and thermodynamic stability) performed at Invitae indicates that this missense variant is expected to disrupt NF1 protein function with a positive predictive value of 80%. In summary, the available evidence is currently insufficient to determine the role of this variant in disease. Therefore, it has been classified as a Variant of Uncertain Significance.